The following is an entry in ClinVar:

NM_007186.6(CEP250):c.1597G>A (p.Ala533Thr)

Genes: CEP250 (centrosomal protein 250; plus strand), CEP250-AS1 (CEP250 antisense RNA 1; minus strand). Cytogenetic location: 20q11.22.
Variant type: single nucleotide variant.
Coding change: c.1597G>A on transcript NM_007186.6 (MANE Select); coding-DNA position 1597, G replaced by A.
Protein change: p.Ala533Thr; replaces alanine 533 with threonine.
Molecular consequence: missense variant. On other transcripts: 5 prime UTR variant (1).
Genome position (GRCh38, 1-based): chr20:35,475,527, G>A. VCF-style: chr20-35475527-G-A. GRCh37 (hg19) VCF-style: chr20-34063352-G-A.
Other names: c.-303G>A (NM_001318219.1); short protein forms A533T.
Identifiers: ClinVar variation 1371911 (VCV001371911.6), dbSNP rs2146821661, ClinGen allele CA408764341.

ClinVar aggregate classification (germline): Uncertain significance (1 of 4 stars; one submission).

Submission:

Labcorp Genetics (formerly Invitae), Labcorp
Classification: Uncertain significance. Last evaluated: 2022-08-31. Review status: criteria provided, single submitter. Criteria: Invitae Variant Classification Sherloc (09022015). Collection method: clinical testing. Allele origin: germline.
Comment: In summary, the available evidence is currently insufficient to determine the role of this variant in disease. Therefore, it has been classified as a Variant of Uncertain Significance. Algorithms developed to predict the effect of missense changes on protein structure and function output the following: SIFT: "Not Available"; PolyPhen-2: "Benign"; Align-GVGD: "Not Available". The threonine amino acid residue is found in multiple mammalian species, which suggests that this missense change does not adversely affect protein function. ClinVar contains an entry for this variant (Variation ID: 1371911). This variant has not been reported in the literature in individuals affected with CEP250-related conditions. This variant is not present in population databases (gnomAD no frequency). This sequence change replaces alanine, which is neutral and non-polar, with threonine, which is neutral and polar, at codon 533 of the CEP250 protein (p.Ala533Thr).